The following is an entry in ClinVar:

NM_001077525.3(MTMR14):c.417+1del

Gene: MTMR14 (myotubularin related protein 14; plus strand). Cytogenetic location: 3p25.3.
Variant type: Deletion.
Coding change: c.417+1del on transcript NM_001077525.3 (MANE Select); the canonical splice donor site of the intron after coding-DNA position 417, one base deleted (G; older notation c.417+1delG).
Molecular consequence: splice donor variant. On other transcripts: intron variant (8).
Genome position (GRCh38, 1-based): chr3:9,662,376, G deleted; the last of 2 consecutive G bases (chr3:9,662,375-9,662,376); deleting either gives the same sequence. VCF-style (leftmost placement, unchanged base first): chr3-9662374-AG-A. GRCh37 (hg19) VCF-style: chr3-9704058-AG-A.
Other names: NC_000003.11:g.9704060del; c.486+1del (NM_001400518.1, NM_001400521.1, NM_001400526.1); c.-150+1del (NM_001400542.1, NM_001400534.1, NM_001400541.1 and 3 more transcripts); c.417+1del (NM_001077526.3, NM_022485.5, NM_001400520.1 and 4 more transcripts); c.-299+1del (NM_001400547.1); c.-223+1del (NM_001400548.1); c.-89+1del (NM_001400533.1, NM_001400539.1, NM_001400545.1 and 1 more transcripts); c.-162+1del (NM_001400544.1); and 5 more.
Identifiers: ClinVar variation 1376465 (VCV001376465.7), dbSNP rs745454419, ClinGen allele CA2240264.

ClinVar aggregate classification (germline): Uncertain significance (1 of 4 stars; one submission).

Submissions (2):

Labcorp Genetics (formerly Invitae), Labcorp
Classification: Uncertain significance. Last evaluated: 2025-01-23. Review status: criteria provided, single submitter. Criteria: Invitae Variant Classification Sherloc (09022015). Collection method: clinical testing. Allele origin: germline.
Comment: This sequence change creates a premature translational stop signal (Splice site) in the MTMR14 gene. It is expected to result in an absent or disrupted protein product. However, the current clinical and genetic evidence is not sufficient to establish whether loss-of-function variants in MTMR14 cause disease. This variant is present in population databases (rs745454419, gnomAD 0.009%). This variant has not been reported in the literature in individuals affected with MTMR14-related conditions. This variant is also known as c.417+1del. ClinVar contains an entry for this variant (Variation ID: 1376465). Algorithms developed to predict the effect of sequence changes on RNA splicing suggest that this variant may disrupt the consensus splice site. In summary, the available evidence is currently insufficient to determine the role of this variant in disease. Therefore, it has been classified as a Variant of Uncertain Significance.

Dr. Peter K. Rogan Lab, Western University
No classification provided (evidence only). Condition: Familial pancreatic carcinoma. Review status: no classification provided. Collection method: in vitro. Allele origin: not applicable. Functional consequence: skipped exon. Not counted in ClinVar's aggregate classification.